The following is an entry in ClinVar:

NM_001366385.1(CARD14):c.173T>C (p.Leu58Pro)

Gene: CARD14 (caspase recruitment domain family member 14; plus strand). Cytogenetic location: 17q25.3.
Variant type: single nucleotide variant.
Coding change: c.173T>C on transcript NM_001366385.1 (MANE Select); coding-DNA position 173, T replaced by C.
Protein change: p.Leu58Pro; replaces leucine 58 with proline.
Molecular consequence: missense variant. On other transcripts: non-coding transcript variant (1).
Genome position (GRCh38, 1-based): chr17:80,181,611, T>C. VCF-style: chr17-80181611-T-C. GRCh37 (hg19) VCF-style: chr17-78155410-T-C.
Other names: c.173T>C, p.Leu58Pro (NM_001257970.1, NM_024110.4); short protein forms L58P.
Identifiers: ClinVar variation 1353311 (VCV001353311.9), dbSNP rs2144150792, ClinGen allele CA401331845.

ClinVar aggregate classification (germline): Uncertain significance. Review status: criteria provided, multiple submitters, no conflicts (2 of 4 stars). 2 submissions from 2 submitters: Uncertain significance (2). Last evaluated 2022-02-16.

Conditions:
Pityriasis rubra pilaris (PRP). Also called: Pityriasis rubra pilaris--familial type. Identifiers: Orphanet 2897, MedGen C0032027, MONDO:0100017, OMIM 173200, MONDO:0008251.
Psoriasis 2. Identifiers: MedGen C1864497, MONDO:0011269, OMIM 602723.

Submissions (2):

Fulgent Genetics
Classification: Uncertain significance for Pityriasis rubra pilaris; Psoriasis 2. Last evaluated: 2022-02-16. Review status: criteria provided, single submitter. Criteria: ACMG Guidelines, 2015. Collection method: clinical testing. Allele origin: unknown.

Labcorp Genetics (formerly Invitae), Labcorp
Classification: Uncertain significance for Pityriasis rubra pilaris; Psoriasis 2. Last evaluated: 2021-05-13. Review status: criteria provided, single submitter. Criteria: Invitae Variant Classification Sherloc (09022015). Collection method: clinical testing. Allele origin: germline.
Comment: In summary, the available evidence is currently insufficient to determine the role of this variant in disease. Therefore, it has been classified as a Variant of Uncertain Significance. Algorithms developed to predict the effect of missense changes on protein structure and function (SIFT, PolyPhen-2, Align-GVGD) all suggest that this variant is likely to be disruptive, but these predictions have not been confirmed by published functional studies and their clinical significance is uncertain. This variant has not been reported in the literature in individuals with CARD14-related conditions. This variant is not present in population databases (ExAC no frequency). This sequence change replaces leucine with proline at codon 58 of the CARD14 protein (p.Leu58Pro). The leucine residue is highly conserved and there is a moderate physicochemical difference between leucine and proline.